The following is an entry in ClinVar:

NM_002691.4(POLD1):c.2950C>T (p.Leu984=)

Gene: POLD1 (DNA polymerase delta 1, catalytic subunit; plus strand). Cytogenetic location: 19q13.33.
Variant type: single nucleotide variant.
Coding change: c.2950C>T on transcript NM_002691.4 (MANE Select); coding-DNA position 2950, C replaced by T.
Protein change: p.Leu984=; no amino-acid change (leucine 984 retained).
Molecular consequence: synonymous variant. On other transcripts: non-coding transcript variant (1).
Genome position (GRCh38, 1-based): chr19:50,416,525, C>T. VCF-style: chr19-50416525-C-T. GRCh37 (hg19) VCF-style: chr19-50919782-C-T.
Other names: c.2950C>T, p.Leu984= (NM_001256849.1); c.3028C>T, p.Leu1010= (NM_001308632.1).
Identifiers: ClinVar variation 414779 (VCV000414779.19), dbSNP rs754793514, ClinGen allele CA9596689.

ClinVar aggregate classification (germline): Conflicting classifications of pathogenicity. Review status: criteria provided, conflicting classifications (1 of 4 stars). 4 submissions from 4 submitters: Uncertain significance (1); Likely benign (2). 1 of the submissions does not count toward it. Last evaluated 2026-01-20.

Conditions:
POLD1-related polyposis and colorectal cancer syndrome (CRCS10). Also called: Colorectal cancer, susceptibility to, 10; Colorectal cancer 10; COLORECTAL CANCER, SUSCEPTIBILITY TO, ON CHROMOSOME 19q. Identifiers: Orphanet 220460, MedGen C2675481, MONDO:0012953, OMIM 612591.
POLD1-related disorder. Also called: POLD1-related disorders; POLD1-related condition.
Hereditary cancer-predisposing syndrome. Also called: Neoplastic Syndromes, Hereditary; Hereditary neoplastic syndrome; Hereditary Cancer Syndrome; Tumor predisposition. Identifiers: Orphanet 140162, MedGen C0027672, MeSH D009386, MONDO:0015356.

Allele frequency attached by ClinVar (database versions not stated): ExAC below 0.00001; gnomAD exomes 0.00001 and 0.00002; TOPMed below 0.00001; gnomAD 0.00001.
gnomAD v4.1: 6 of 1,552,860 alleles (0.00039%); highest among the groups gnomAD compares: Admixed American, 0.0077%; no homozygotes.

Submissions (4):

Labcorp Genetics (formerly Invitae), Labcorp
Classification: Likely benign for POLD1-related polyposis and colorectal cancer syndrome. Last evaluated: 2026-01-20. Review status: criteria provided, single submitter. Criteria: Invitae Variant Classification Sherloc (09022015). Collection method: clinical testing. Allele origin: germline.

GeneDx
Classification: Uncertain significance. Last evaluated: 2024-06-04. Review status: criteria provided, single submitter. Criteria: GeneDx Variant Classification Process June 2021. Collection method: clinical testing. Allele origin: germline. Affected: yes.
Comment: In silico analysis indicates that this variant does not alter splicing; Has not been previously published as pathogenic or benign to our knowledge

Ambry Genetics
Classification: Likely benign for Hereditary cancer-predisposing syndrome. Last evaluated: 2015-08-07. Review status: criteria provided, single submitter. Criteria: Ambry Variant Classification Scheme 2023. Collection method: clinical testing. Allele origin: germline.

PreventionGenetics, part of Exact Sciences
Classification: Likely benign for POLD1-related condition. Last evaluated: 2024-06-02. Review status: no assertion criteria provided. Collection method: clinical testing. Allele origin: germline. Not counted in ClinVar's aggregate classification.
Comment: This variant is classified as likely benign based on ACMG/AMP sequence variant interpretation guidelines (Richards et al. 2015 PMID: 25741868, with internal and published modifications).